The following is an entry in ClinVar:

NM_138295.5(PKD1L1):c.4842C>T (p.Pro1614=)

Gene: PKD1L1 (polycystin 1 like 1, transient receptor potential channel interacting; minus strand). Cytogenetic location: 7p12.3.
Variant type: single nucleotide variant.
Coding change: c.4842C>T on transcript NM_138295.5 (MANE Select); coding-DNA position 4842, C replaced by T.
Protein change: p.Pro1614=; no amino-acid change (proline 1614 retained).
Molecular consequence: synonymous variant.
Genome position (GRCh38, 1-based): chr7:47,854,899, G>A on the plus strand (C>T on the coding strand, the complement: PKD1L1 is on the minus strand). VCF-style: chr7-47854899-G-A. GRCh37 (hg19) VCF-style: chr7-47894497-G-A.
Identifiers: ClinVar variation 4978650 (VCV004978650.1).

ClinVar aggregate classification (germline): Likely benign (1 of 4 stars; one submission).

Conditions:
PKD1L1-related disorder. Also called: PKD1L1-related condition.

gnomAD v4.1: 246 of 1,613,904 alleles (0.015%); highest among the groups gnomAD compares: Non-Finnish European, 0.019%; no homozygotes.

Submission:

PreventionGenetics, part of Exact Sciences
Classification: Likely benign for PKD1L1-related condition. Last evaluated: 2025-07-16. Review status: criteria provided, single submitter. Criteria: ACMG Guidelines, 2015. Collection method: clinical testing. Allele origin: germline.
Comment: This variant is classified as likely benign based on ACMG/AMP sequence variant interpretation guidelines (Richards et al. 2015 PMID: 25741868, with internal and published modifications).